The following is an entry in ClinVar:

NC_000011.9:g.(?_12883777)_(12886467_?)del

Gene: TEAD1 (TEA domain transcription factor 1; plus strand). Cytogenetic location: 11p15.2.
Variant type: Deletion.
Identifiers: ClinVar variation 3244784 (VCV003244784.1).

ClinVar aggregate classification (germline): Uncertain significance (1 of 4 stars; one submission).

Submission:

Labcorp Genetics (formerly Invitae), Labcorp
Classification: Uncertain significance. Last evaluated: 2023-08-27. Review status: criteria provided, single submitter. Criteria: Invitae Variant Classification Sherloc (09022015). Collection method: clinical testing. Allele origin: unknown.
Comment: This variant is a gross deletion of the genomic region encompassing exon(s) 4-5 of the TEAD1 gene. This deletion is out-of-frame, and is expected to create a premature translational stop signal and result in an absent or disrupted protein product. However, the current clinical and genetic evidence is not sufficient to establish whether loss-of-function variants in TEAD1 cause disease. This variant has not been reported in the literature in individuals affected with TEAD1-related conditions. In summary, the available evidence is currently insufficient to determine the role of this variant in disease. Therefore, it has been classified as a Variant of Uncertain Significance.